The following is an entry in ClinVar:

NM_000245.4(MET):c.1578C>T (p.Cys526=)

Gene: MET (MET proto-oncogene, receptor tyrosine kinase; plus strand). Cytogenetic location: 7q31.2.
Variant type: single nucleotide variant.
Coding change: c.1578C>T on transcript NM_000245.4 (MANE Select); coding-DNA position 1578, C replaced by T.
Protein change: p.Cys526=; no amino-acid change (cysteine 526 retained).
Molecular consequence: synonymous variant.
Genome position (GRCh38, 1-based): chr7:116,740,902, C>T. VCF-style: chr7-116740902-C-T. GRCh37 (hg19) VCF-style: chr7-116380956-C-T.
Other names: c.1578C>T, p.Cys526= (NM_001127500.3, NM_001324401.3); c.288C>T, p.Cys96= (NM_001324402.2).
Identifiers: ClinVar variation 4825357 (VCV004825357.1).

ClinVar aggregate classification (germline): Uncertain significance (1 of 4 stars; one submission).

Conditions:
Hereditary cancer-predisposing syndrome. Also called: Neoplastic Syndromes, Hereditary; Tumor predisposition; Hereditary Cancer Syndrome; Hereditary neoplastic syndrome. Identifiers: Orphanet 140162, MedGen C0027672, MeSH D009386, MONDO:0015356.

gnomAD v4.1: 2 of 1,614,164 alleles (0.00012%); highest among the groups gnomAD compares: Non-Finnish European, 0.00017%; no homozygotes.

Submission:

Ambry Genetics
Classification: Uncertain significance for Hereditary cancer-predisposing syndrome. Last evaluated: 2026-02-18. Review status: criteria provided, single submitter. Criteria: Ambry Variant Classification Scheme 2023. Collection method: clinical testing. Allele origin: germline.
Comment: The c.1578C>T variant (also known as p.C526C), located in coding exon 4 of the MET gene, results from a C to T substitution at nucleotide position 1578. This nucleotide substitution does not change the cysteine at codon 526. This nucleotide position is well conserved in available vertebrate species. In silico splice site analysis for this alteration is inconclusive. Based on the available evidence, the clinical significance of this variant remains unclear.